The following is an entry in ClinVar:

NM_005222.4(DLX6):c.134CGC[11] (p.Pro52_Pro53dup)

Genes: DLX6 (distal-less homeobox 6; plus strand), DLX6-AS1 (DLX6 antisense RNA 1; minus strand). Cytogenetic location: 7q21.3.
Variant type: Microsatellite.
Coding change: c.134CGC[11] on transcript NM_005222.4 (MANE Select); 11 copies in a row of the 3-base unit CGC starting at c.134; the reference has nine copies in a row; two copies, 6 bases duplicated.
Protein change: p.Pro52_Pro53dup.
Molecular consequence: inframe insertion.
Genome position (GRCh38, 1-based): chr7:97,006,132-97,006,137, CGCCGC duplicated; duplicating any 6 consecutive bases within chr7:97,006,109-97,006,137 gives the same sequence; the position shown is the placement nearest the transcript's 3' end. VCF-style (leftmost placement, unchanged base first): chr7-97006108-A-AGCCGCC. GRCh37 (hg19) VCF-style: chr7-96635420-A-AGCCGCC.
Other names: c.155_160dup6 (NM_005222.3).
Identifiers: ClinVar variation 1385415 (VCV001385415.9), dbSNP rs559903070, ClinGen allele CA4353721.
Genomic context (GRCh38, chr7:97,006,108, plus strand): 5'-TCGGGCAGCAGCAGCAGCAGCAGCAGCAACAGCAGCAGCAGCAGCAGCAGCAACAGCAAC[A>AGCCGCC]GCCGCCGCCGCCGCCGCCGCCGCCGCCGCAGCCGCACTCGCAGCAGAGCTCCCCGGCCAT-3'

ClinVar aggregate classification (germline): Conflicting classifications of pathogenicity. Review status: criteria provided, conflicting classifications (1 of 4 stars). 2 submissions from 2 submitters: Uncertain significance (1); Likely benign (1). Last evaluated 2026-01-28.

Conditions:
DLX6-related disorder. Also called: DLX6-related condition.

Submissions (2):

Labcorp Genetics (formerly Invitae), Labcorp
Classification: Uncertain significance. Last evaluated: 2026-01-28. Review status: criteria provided, single submitter. Criteria: Invitae Variant Classification Sherloc (09022015). Collection method: clinical testing. Allele origin: germline.
Comment: This variant, c.155_160dup, results in the insertion of 2 amino acid(s) of the DLX6 protein (p.Pro52_Pro53dup), but otherwise preserves the integrity of the reading frame. The frequency data for this variant in the population databases is considered unreliable, as metrics indicate poor data quality at this position in the gnomAD database. This variant has not been reported in the literature in individuals affected with DLX6-related conditions. Experimental studies and prediction algorithms are not available or were not evaluated, and the functional significance of this variant is currently unknown. In summary, the available evidence is currently insufficient to determine the role of this variant in disease. Therefore, it has been classified as a Variant of Uncertain Significance.

PreventionGenetics, part of Exact Sciences
Classification: Likely benign for DLX6-related condition. Last evaluated: 2025-08-26. Review status: criteria provided, single submitter. Criteria: ACMG Guidelines, 2015. Collection method: clinical testing. Allele origin: germline.
Comment: This variant is classified as likely benign based on ACMG/AMP sequence variant interpretation guidelines (Richards et al. 2015 PMID: 25741868, with internal and published modifications).